The following is an entry in ClinVar:

ClinVar aggregate classification (germline): Pathogenic (1 of 4 stars; one submission).

Conditions:
Mucopolysaccharidosis, MPS-III-C (MPS3C). Also called: SANFILIPPO SYNDROME C; MPS III C; MUCOPOLYSACCHARIDOSIS, TYPE IIIC; Mucopolysaccharidosis type IIIC (Sanfilippo C); mucopolysaccharidosis type 3C; MPS IIIC (Sanfilippo Syndrome Type C). Identifiers: Orphanet 581, Orphanet 79271, MedGen C0086649, MONDO:0009657, OMIM 252930.

Submission:

Myriad Genetics, Inc.
Classification: Pathogenic for Mucopolysaccharidosis, MPS-III-C. Last evaluated: 2023-09-13. Review status: criteria provided, single submitter. Criteria: Myriad Autosomal Dominant, Autosomal Recessive and X-Linked Classification Criteria (2023). Collection method: clinical testing. Allele origin: unknown.
Comment: NM_152419.2(HGSNAT):c.751_752delCT(L251Yfs*28) is expected to be pathogenic in the context of mucopolysaccharidosis type IIIC. This variant is predicted to lead to an abnormal or absent protein product due to the creation of a premature termination codon in HGSNAT, a gene where loss-of-function variants are known to be pathogenic. Please note: this variant was assessed in the context of healthy population screening.

NM_152419.3(HGSNAT):c.751_752del (p.Leu251fs)

Gene: HGSNAT (heparan-alpha-glucosaminide N-acetyltransferase; plus strand). Cytogenetic location: 8p11.21.
Variant type: Microsatellite.
Coding change: c.751_752del on transcript NM_152419.3 (MANE Select); coding-DNA positions 751 to 752, 2 bases deleted (CT; older notation c.751_752delCT).
Protein change: p.Leu251fs; shifts the reading frame from leucine 251.
Molecular consequence: frameshift variant. On other transcripts: 5 prime UTR variant (1).
Genome position (GRCh38, 1-based): chr8:43,172,317-43,172,318, CT deleted; deleting any 2 consecutive bases within chr8:43,172,315-43,172,318 gives the same sequence; the c. name uses the placement nearest the transcript's 3' end. VCF-style (leftmost placement, unchanged base first): chr8-43172314-GCT-G. GRCh37 (hg19) VCF-style: chr8-43027457-GCT-G.
Other names: c.751_752del, p.Leu251fs (NM_001363227.2, NM_001363228.2); c.-85CT[1] (NM_001363229.2); short protein forms L251fs.
Identifiers: ClinVar variation 5011658 (VCV005011658.1).